The following is an entry in ClinVar:

ClinVar aggregate classification (germline): Uncertain significance. Review status: criteria provided, multiple submitters, no conflicts (2 of 4 stars). 2 submissions from 2 submitters: Uncertain significance (2). Last evaluated 2025-01-15.

Conditions:
Hereditary cancer-predisposing syndrome. Also called: Neoplastic Syndromes, Hereditary; Hereditary Cancer Syndrome; Hereditary neoplastic syndrome; Tumor predisposition. Identifiers: Orphanet 140162, MedGen C0027672, MeSH D009386, MONDO:0015356.

Submissions (2):

Ambry Genetics
Classification: Uncertain significance for Hereditary cancer-predisposing syndrome. Last evaluated: 2025-01-15. Review status: criteria provided, single submitter. Criteria: Ambry Variant Classification Scheme 2023. Collection method: clinical testing. Allele origin: germline.
Comment: The c.667_693del27 variant (also known as p.E223_R231del) is located in coding exon 7 of the POLE gene. This variant results from an in-frame GAGTACGATGTTCCCTACCACATCCGC deletion at nucleotide positions 667 to 693. This results in the in-frame deletion of a 9 amino acids (EYDVPYHIR) at codons 223 to 231. This amino acid region is well conserved in available vertebrate species. Based on the available evidence, the clinical significance of this variant remains unclear.

Labcorp Genetics (formerly Invitae), Labcorp
Classification: Uncertain significance. Last evaluated: 2024-12-26. Review status: criteria provided, single submitter. Criteria: Invitae Variant Classification Sherloc (09022015). Collection method: clinical testing. Allele origin: germline.
Comment: This variant, c.667_693del, results in the deletion of 9 amino acid(s) of the POLE protein (p.Glu223_Arg231del), but otherwise preserves the integrity of the reading frame. This variant is present in population databases (no rsID available, gnomAD 0.0009%). This variant has not been reported in the literature in individuals affected with POLE-related conditions. ClinVar contains an entry for this variant (Variation ID: 540624). Experimental studies and prediction algorithms are not available or were not evaluated, and the functional significance of this variant is currently unknown. In summary, the available evidence is currently insufficient to determine the role of this variant in disease. Therefore, it has been classified as a Variant of Uncertain Significance.

NM_006231.4(POLE):c.667_693del (p.Glu223_Arg231del)

Gene: POLE (DNA polymerase epsilon, catalytic subunit; minus strand). Cytogenetic location: 12q24.33.
Variant type: Deletion.
Coding change: c.667_693del on transcript NM_006231.4 (MANE Select); coding-DNA positions 667 to 693, 27 bases deleted (GAGTACGATGTTCCCTACCACATCCGC).
Protein change: p.Glu223_Arg231del.
Molecular consequence: inframe deletion.
Genome position (GRCh38, 1-based): chr12:132,677,605-132,677,631, GCGGATGTGGTAGGGAACATCGTACTC deleted on the plus strand (GAGTACGATGTTCCCTACCACATCCGC on the coding strand, the reverse complement: POLE is on the minus strand); deleting any 27 consecutive bases within chr12:132,677,605-132,677,634 gives the same sequence; the c. name uses the placement nearest the transcript's 3' end. VCF-style (leftmost placement, unchanged base first): chr12-132677604-GGCGGATGTGGTAGGGAACATCGTACTC-G. GRCh37 (hg19) VCF-style: chr12-133254190-GGCGGATGTGGTAGGGAACATCGTACTC-G.
Other names: c.667_693del27 (NM_006231.2); c.667_693delGAGTACGATGTTCCCTACCACATCCGC (NM_006231.3).
Identifiers: ClinVar variation 540624 (VCV000540624.10), dbSNP rs1272503308, ClinGen allele CA608514388.